The following is an entry in ClinVar:

NM_000090.4(COL3A1):c.2401G>A (p.Gly801Ser)

Genes: COL3A1 (collagen type III alpha 1 chain; plus strand), LOC126806446 (P300/CBP strongly-dependent group 1 enhancer GRCh37_chr2:189866210-189867409; plus strand). Cytogenetic location: 2q32.2.
Variant type: single nucleotide variant.
Coding change: c.2401G>A on transcript NM_000090.4 (MANE Select); coding-DNA position 2401, G replaced by A.
Protein change: p.Gly801Ser; replaces glycine 801 with serine.
Molecular consequence: missense variant.
Genome position (GRCh38, 1-based): chr2:189,002,307, G>A. VCF-style: chr2-189002307-G-A. GRCh37 (hg19) VCF-style: chr2-189867033-G-A.
Other names: short protein forms G801S.
Identifiers: ClinVar variation 3835232 (VCV003835232.2).

ClinVar aggregate classification (germline): Likely pathogenic. Review status: criteria provided, multiple submitters, no conflicts (2 of 4 stars). 2 submissions from 2 submitters: Likely pathogenic (2). Last evaluated 2024-12-24.

Conditions:
COL3A1-related disorder. Also called: COL3A1-related condition.
Familial thoracic aortic aneurysm and aortic dissection (TAAD). Also called: Thoracic aortic aneurysms and dissections. Identifiers: Orphanet 91387, MedGen C4707243, MONDO:0019625.

gnomAD v4.1: 1 of 1,613,920 alleles (0.000062%); highest among the groups gnomAD compares: Non-Finnish European, 0.000085%; no homozygotes.

Submissions (2):

Ambry Genetics
Classification: Likely pathogenic for Familial thoracic aortic aneurysm and aortic dissection. Last evaluated: 2024-12-24. Review status: criteria provided, single submitter. Criteria: Ambry Variant Classification Scheme 2023. Collection method: clinical testing. Allele origin: germline.
Comment: The p.G801S variant (also known as c.2401G>A), located in coding exon 35 of the COL3A1 gene, results from a G to A substitution at nucleotide position 2401. The glycine at codon 801 is replaced by serine, an amino acid with similar properties. The majority (approximately two-thirds) of COL3A1 mutations identified to date have involved the substitution of another amino acid for glycine within the triple-helical domain (Pepin MG et al. Genet Med. 2014;16(12):881-8; Frank M et al. Eur J Hum Genet. 2015;23(12):1657-64). Internal structural analysis indicates that this alteration disrupts the characteristic G-X-Y motif in the COL3A1 protein and inserts a bulky side chain into a sterically-constrained region (Bella J et al. Science. 1994;266:75-81; Hohenester E et al. Proc. Natl. Acad. Sci. U.S.A. 2008;105:18273-7; Ambry internal data). This amino acid position is highly conserved in available vertebrate species. In addition, this alteration is predicted to be deleterious by in silico analysis. This variant is considered to be rare based on population cohorts in the Genome Aggregation Database (gnomAD). Based on the majority of available evidence to date, this variant is likely to be pathogenic.

Blueprint Genetics
Classification: Likely pathogenic for COL3A1-related disorders. Last evaluated: 2021-08-20. Review status: criteria provided, single submitter. Criteria: ACMG Guidelines, 2015. Collection method: clinical testing. Allele origin: germline. Affected: yes. Observed: 5 variant alleles.